The following is an entry in ClinVar:

ClinVar aggregate classification (germline): Uncertain significance. Review status: criteria provided, multiple submitters, no conflicts (2 of 4 stars). 2 submissions from 2 submitters: Uncertain significance (2). Last evaluated 2022-06-08.

Conditions:
VPS13A-related neurodegenerative disease. Also called: Choreoacanthocytosis; Chorea-acanthocytosis; LEVINE-CRITCHLEY SYNDROME; Choreaacanthocytosis; ACANTHOCYTOSIS WITH NEUROLOGIC DISORDER; VPS13A Disease. Identifiers: Orphanet 2388, MedGen C0393576, MONDO:0008695, OMIM 200150.

Allele frequency attached by ClinVar (database versions not stated): gnomAD 0.00003; TOPMed 0.00006.
gnomAD v4.1: 80 of 1,611,086 alleles (0.005%); highest among the groups gnomAD compares: Middle Eastern, 0.016%; no homozygotes.

Submissions (2):

Labcorp Genetics (formerly Invitae), Labcorp
Classification: Uncertain significance. Last evaluated: 2022-06-08. Review status: criteria provided, single submitter. Criteria: Invitae Variant Classification Sherloc (09022015). Collection method: clinical testing. Allele origin: germline.
Comment: This sequence change replaces threonine, which is neutral and polar, with alanine, which is neutral and non-polar, at codon 814 of the VPS13A protein (p.Thr814Ala). This variant is present in population databases (rs564878665, gnomAD 0.003%). This variant has not been reported in the literature in individuals affected with VPS13A-related conditions. ClinVar contains an entry for this variant (Variation ID: 367367). Algorithms developed to predict the effect of missense changes on protein structure and function output the following: SIFT: "Tolerated"; PolyPhen-2: "Benign"; Align-GVGD: "Class C0". The alanine amino acid residue is found in multiple mammalian species, which suggests that this missense change does not adversely affect protein function. In summary, the available evidence is currently insufficient to determine the role of this variant in disease. Therefore, it has been classified as a Variant of Uncertain Significance.

Illumina Laboratory Services, Illumina
Classification: Uncertain significance for VPS13A-related neurodegenerative disease. Last evaluated: 2018-01-13. Review status: criteria provided, single submitter. Criteria: ICSL Variant Classification Criteria 13 December 2019. Collection method: clinical testing. Allele origin: germline.

NM_033305.3(VPS13A):c.2440A>G (p.Thr814Ala)

Gene: VPS13A (vacuolar protein sorting 13 homolog A; plus strand). Cytogenetic location: 9q21.2.
Variant type: single nucleotide variant.
Coding change: c.2440A>G on transcript NM_033305.3 (MANE Select); coding-DNA position 2440, A replaced by G.
Protein change: p.Thr814Ala; replaces threonine 814 with alanine.
Molecular consequence: missense variant.
Genome position (GRCh38, 1-based): chr9:77,273,292, A>G. VCF-style: chr9-77273292-A-G. GRCh37 (hg19) VCF-style: chr9-79888208-A-G.
Other names: c.2440A>G, p.Thr814Ala (NM_001018037.2, NM_001018038.3, NM_015186.4); short protein forms T814A.
Identifiers: ClinVar variation 367367 (VCV000367367.6), dbSNP rs564878665, ClinGen allele CA10627572.